The following is an entry in ClinVar:

ClinVar aggregate classification (germline): Uncertain significance (1 of 4 stars; one submission).

Conditions:
Hypertrophic cardiomyopathy. Also called: HYPERTROPHIC MYOCARDIOPATHY. Identifiers: Orphanet 217569, MedGen C0007194, MeSH D002312, MONDO:0005045, HP:0001639.

Submission:

All of Us Research Program, National Institutes of Health
Classification: Uncertain significance for Hypertrophic cardiomyopathy. Last evaluated: 2023-08-15. Review status: criteria provided, single submitter. Criteria: ACMG Guidelines, 2015. Collection method: clinical testing. Allele origin: germline. Inheritance: Autosomal dominant inheritance. Observed: 1 variant allele, 1 heterozygote.
Comment: This missense variant replaces glutamic acid with glutamine at codon 168 of the MYL3 protein. Computational prediction suggests that this variant may have deleterious impact on protein structure and function (internally defined REVEL score threshold >= 0.7, PMID: 27666373). To our knowledge, functional studies have not been reported for this variant. This variant has not been reported in individuals affected with MYL3-related disorders in the literature. This variant has not been identified in the general population by the Genome Aggregation Database (gnomAD). The available evidence is insufficient to determine the role of this variant in disease conclusively. Therefore, this variant is classified as a Variant of Uncertain Significance.

This study involves interpretation of variants in research participants for the purpose of population health screening. Participant phenotype was not available at the time of variant classification. Additional details can be found in publication PMID: 35346344, PMCID: PMC8962531

NM_000258.3(MYL3):c.502G>C (p.Glu168Gln)

Gene: MYL3 (myosin light chain 3; minus strand). Cytogenetic location: 3p21.31.
Variant type: single nucleotide variant.
Coding change: c.502G>C on transcript NM_000258.3 (MANE Select); coding-DNA position 502, G replaced by C.
Protein change: p.Glu168Gln; replaces glutamic acid 168 with glutamine.
Molecular consequence: missense variant.
Genome position (GRCh38, 1-based): chr3:46,858,441, C>G on the plus strand (G>C on the coding strand, the complement: MYL3 is on the minus strand). VCF-style: chr3-46858441-C-G. GRCh37 (hg19) VCF-style: chr3-46899931-C-G.
Other names: c.502G>C, p.Glu168Gln (NM_001406937.1, NM_001406938.1, NM_001406939.1); c.328G>C, p.Glu110Gln (NM_001406940.1); c.313G>C, p.Glu105Gln (NM_001406941.1); short protein forms E105Q, E110Q, E168Q.
Identifiers: ClinVar variation 3072953 (VCV003072953.1), dbSNP rs1376871183, ClinGen allele CA352495554.